The following is an entry in ClinVar:

ClinVar aggregate classification (germline): Uncertain significance. Review status: criteria provided, multiple submitters, no conflicts (2 of 4 stars). 2 submissions from 2 submitters: Uncertain significance (2). Last evaluated 2023-11-13.

Conditions:
Dyskeratosis congenita, autosomal recessive 5 (DKCB5). Identifiers: MedGen C3554656, MONDO:0014076, OMIM 615190.
Pulmonary fibrosis and/or bone marrow failure, Telomere-related, 3. Also called: PULMONARY FIBROSIS AND/OR BONE MARROW FAILURE SYNDROME, TELOMERE-RELATED, 3. Identifiers: Orphanet 2032, MedGen C4225346, MONDO:0014613, OMIM 616373.

Allele frequency attached by ClinVar (database versions not stated): gnomAD exomes below 0.00001; TOPMed below 0.00001; gnomAD 0.00001.
gnomAD v4.1: 3 of 1,612,322 alleles (0.00019%); highest among the groups gnomAD compares: South Asian, 0.0011%; no homozygotes.

Submissions (2):

Blueprint Genetics
Classification: Uncertain significance. Last evaluated: 2023-11-13. Review status: criteria provided, single submitter. Criteria: ACMG Guidelines, 2015. Collection method: clinical testing. Allele origin: germline.

Labcorp Genetics (formerly Invitae), Labcorp
Classification: Uncertain significance for Dyskeratosis congenita, autosomal recessive 5; Pulmonary fibrosis and/or bone marrow failure, Telomere-related, 3. Last evaluated: 2022-08-31. Review status: criteria provided, single submitter. Criteria: Invitae Variant Classification Sherloc (09022015). Collection method: clinical testing. Allele origin: germline.
Comment: This sequence change replaces arginine, which is basic and polar, with cysteine, which is neutral and slightly polar, at codon 750 of the RTEL1 protein (p.Arg750Cys). This variant is not present in population databases (gnomAD no frequency). This variant has not been reported in the literature in individuals affected with RTEL1-related conditions. ClinVar contains an entry for this variant (Variation ID: 1375271). Algorithms developed to predict the effect of missense changes on protein structure and function are either unavailable or do not agree on the potential impact of this missense change (SIFT: "Deleterious"; PolyPhen-2: "Probably Damaging"; Align-GVGD: "Class C0"). In summary, the available evidence is currently insufficient to determine the role of this variant in disease. Therefore, it has been classified as a Variant of Uncertain Significance.

NM_001283009.2(RTEL1):c.2248C>T (p.Arg750Cys)

Genes: RTEL1 (regulator of telomere elongation helicase 1; plus strand), RTEL1-TNFRSF6B (RTEL1-TNFRSF6B readthrough (NMD candidate); plus strand). Cytogenetic location: 20q13.33.
Variant type: single nucleotide variant.
Coding change: c.2248C>T on transcript NM_001283009.2 (MANE Select); coding-DNA position 2248, C replaced by T.
Protein change: p.Arg750Cys; replaces arginine 750 with cysteine.
Molecular consequence: missense variant. On other transcripts: non-coding transcript variant (1).
Genome position (GRCh38, 1-based): chr20:63,690,193, C>T. VCF-style: chr20-63690193-C-T. GRCh37 (hg19) VCF-style: chr20-62321546-C-T.
Other names: c.1579C>T, p.Arg527Cys (NM_001283010.1); c.2248C>T, p.Arg750Cys (NM_016434.4); c.2320C>T, p.Arg774Cys (NM_032957.5); short protein forms R774C, R750C, R527C.
Identifiers: ClinVar variation 1375271 (VCV001375271.6), dbSNP rs2090699912, ClinGen allele CA409679998.